The following is an entry in ClinVar:

NM_001292063.2(OTOG):c.4991A>T (p.His1664Leu)

Gene: OTOG (otogelin; plus strand). Cytogenetic location: 11p15.1.
Variant type: single nucleotide variant.
Coding change: c.4991A>T on transcript NM_001292063.2 (MANE Select); coding-DNA position 4991, A replaced by T.
Protein change: p.His1664Leu; replaces histidine 1664 with leucine.
Molecular consequence: missense variant.
Genome position (GRCh38, 1-based): chr11:17,610,291, A>T. VCF-style: chr11-17610291-A-T. GRCh37 (hg19) VCF-style: chr11-17631838-A-T.
Other names: c.5027A>T, p.His1676Leu (NM_001277269.2); short protein forms H1676L, H1664L.
Identifiers: ClinVar variation 517491 (VCV000517491.5), dbSNP rs1427538566, ClinGen allele CA379797187.

ClinVar aggregate classification (germline): Uncertain significance (1 of 4 stars; one submission).

Allele frequency attached by ClinVar (database versions not stated): gnomAD 0.00001; TOPMed 0.00001 and below 0.00001.
gnomAD v4.1: 2 of 1,550,458 alleles (0.00013%); highest among the groups gnomAD compares: East Asian, 0.0024%; no homozygotes.

Submission:

Laboratory for Molecular Medicine, Mass General Brigham Personalized Medicine
Classification: Uncertain significance. Last evaluated: 2017-07-20. Review status: criteria provided, single submitter. Criteria: LMM Criteria. Collection method: clinical testing. Allele origin: germline. Observed: 1 variant allele.
Comment: The p.His1676Leu variant in OTOG has not been previously reported in individuals with hearing loss or in large population studies. Computational prediction too ls and conservation analyses suggest that this variant may not impact the protei n, though this information is not predictive enough to rule out pathogenicity. I n summary, the clinical significance of the p.His1676Leu variant is uncertain.